The following is an entry in ClinVar:

ClinVar aggregate classification (germline): Uncertain significance (1 of 4 stars; one submission).

Submission:

Labcorp Genetics (formerly Invitae), Labcorp
Classification: Uncertain significance. Last evaluated: 2022-11-28. Review status: criteria provided, single submitter. Criteria: Invitae Variant Classification Sherloc (09022015). Collection method: clinical testing. Allele origin: germline.
Comment: This sequence change replaces leucine, which is neutral and non-polar, with valine, which is neutral and non-polar, at codon 72 of the POLE protein (p.Leu72Val). This variant is not present in population databases (gnomAD no frequency). This variant has not been reported in the literature in individuals affected with POLE-related conditions. ClinVar contains an entry for this variant (Variation ID: 642580). Advanced modeling of protein sequence and biophysical properties (such as structural, functional, and spatial information, amino acid conservation, physicochemical variation, residue mobility, and thermodynamic stability) performed at Invitae indicates that this missense variant is not expected to disrupt POLE protein function. In summary, the available evidence is currently insufficient to determine the role of this variant in disease. Therefore, it has been classified as a Variant of Uncertain Significance.

NM_006231.4(POLE):c.214T>G (p.Leu72Val)

Gene: POLE (DNA polymerase epsilon, catalytic subunit; minus strand). Cytogenetic location: 12q24.33.
Variant type: single nucleotide variant.
Coding change: c.214T>G on transcript NM_006231.4 (MANE Select); coding-DNA position 214, T replaced by G.
Protein change: p.Leu72Val; replaces leucine 72 with valine.
Molecular consequence: missense variant.
Genome position (GRCh38, 1-based): chr12:132,680,678, A>C on the plus strand (T>G on the coding strand, the complement: POLE is on the minus strand). VCF-style: chr12-132680678-A-C. GRCh37 (hg19) VCF-style: chr12-133257264-A-C.
Other names: short protein forms L72V.
Identifiers: ClinVar variation 642580 (VCV000642580.8), dbSNP rs1593087281, ClinGen allele CA387369393.